The following is an entry in ClinVar:

ClinVar aggregate classification (germline): Likely benign (1 of 4 stars; one submission).

Submission:

CeGaT Center for Human Genetics Tuebingen
Classification: Likely benign. Last evaluated: 2024-12-01. Review status: criteria provided, single submitter. Criteria: CeGaT Center For Human Genetics Tuebingen Variant Classification Criteria Version 2. Collection method: clinical testing. Allele origin: germline. Affected: yes. Observed: 1 variant allele.
Comment: ZNG1F: BP4, BP7

NM_001085457.2(ZNG1F):c.756T>C (p.Ser252=)

Gene: ZNG1F (Zn regulated GTPase metalloprotein activator 1F; minus strand). Cytogenetic location: 9p11.2.
Variant type: single nucleotide variant.
Coding change: c.756T>C on transcript NM_001085457.2 (MANE Select); coding-DNA position 756, T replaced by C.
Protein change: p.Ser252=; no amino-acid change (serine 252 retained).
Molecular consequence: synonymous variant. On other transcripts: non-coding transcript variant (1).
Genome position (GRCh38, 1-based): chr9:41,156,391, A>G on the plus strand (T>C on the coding strand, the complement: ZNG1F is on the minus strand). VCF-style: chr9-41156391-A-G. GRCh37 (hg19) VCF-style: chr9-69229620-A-G.
Other names: c.696T>C, p.Ser232= (NM_001386876.1); c.609T>C, p.Ser203= (NM_001386877.1).
Identifiers: ClinVar variation 3771607 (VCV003771607.13).